The following is an entry in ClinVar:

NM_133497.4(KCNV2):c.311G>A (p.Gly104Asp)

Gene: KCNV2 (potassium voltage-gated channel modifier subfamily V member 2; plus strand). Cytogenetic location: 9p24.2.
Variant type: single nucleotide variant.
Coding change: c.311G>A on transcript NM_133497.4 (MANE Select); coding-DNA position 311, G replaced by A.
Protein change: p.Gly104Asp; replaces glycine 104 with aspartic acid.
Molecular consequence: missense variant.
Genome position (GRCh38, 1-based): chr9:2,718,050, G>A. VCF-style: chr9-2718050-G-A. GRCh37 (hg19) VCF-style: chr9-2718050-G-A.
Other names: short protein forms G104D.
Identifiers: ClinVar variation 2103668 (VCV002103668.4), dbSNP rs1819771441, ClinGen allele CA372796484.

ClinVar aggregate classification (germline): Uncertain significance (1 of 4 stars; one submission).

Submission:

Labcorp Genetics (formerly Invitae), Labcorp
Classification: Uncertain significance. Last evaluated: 2022-08-16. Review status: criteria provided, single submitter. Criteria: Invitae Variant Classification Sherloc (09022015). Collection method: clinical testing. Allele origin: germline.
Comment: Advanced modeling of protein sequence and biophysical properties (such as structural, functional, and spatial information, amino acid conservation, physicochemical variation, residue mobility, and thermodynamic stability) performed at Invitae indicates that this missense variant is expected to disrupt KCNV2 protein function. This variant has not been reported in the literature in individuals affected with KCNV2-related conditions. This variant is not present in population databases (gnomAD no frequency). This sequence change replaces glycine, which is neutral and non-polar, with aspartic acid, which is acidic and polar, at codon 104 of the KCNV2 protein (p.Gly104Asp). In summary, the available evidence is currently insufficient to determine the role of this variant in disease. Therefore, it has been classified as a Variant of Uncertain Significance.